The following is an entry in ClinVar:

ClinVar aggregate classification (germline): Pathogenic. Review status: criteria provided, multiple submitters, no conflicts (2 of 4 stars). 3 submissions from 3 submitters: Pathogenic (3). Last evaluated 2025-08-19.

Conditions:
Hereditary cancer-predisposing syndrome. Also called: Neoplastic Syndromes, Hereditary; Tumor predisposition; Hereditary Cancer Syndrome; Hereditary neoplastic syndrome. Identifiers: Orphanet 140162, MedGen C0027672, MeSH D009386, MONDO:0015356.
Hereditary breast ovarian cancer syndrome. Also called: Hereditary breast and ovarian cancer; Hereditary breast and ovarian cancer syndrome (HBOC); Breast and ovarian cancer; Hereditary breast and/or ovarian cancer syndrome; BRCA1- and BRCA2-Associated Hereditary Breast and Ovarian Cancer; Hereditary breast and ovarian cancer syndrome. Identifiers: Orphanet 145, MedGen C0677776, MeSH D061325, MONDO:0003582. Disease mechanism: loss of function.

Submissions (4):

Color Diagnostics, LLC DBA Color Health
Classification: Pathogenic for Hereditary cancer-predisposing syndrome. Last evaluated: 2025-08-19. Review status: criteria provided, single submitter. Criteria: ACMG Guidelines, 2015. Collection method: clinical testing. Allele origin: germline.
Comment: This variant causes a T>A nucleotide substitution at the +2 position of intron 3 in the BRCA1 gene. This variant is expected to abolish the intron 3 splice donor site. An RNA study has shown that a similar disruption to this donor site, c.134+1G>A causes the skipping of exon 3, resulting in a premature truncation (PMID: 22505045). A functional study has reported that this variant impacts BRCA1 in a haploid cell proliferation assay (PMID: 30209399). Two other substitutions at the conserved c.134+2T nucleotide residue have been reported in three or more individuals affected with breast and/or ovarian cancer (PMID: 30078507, 31706072, 32438681, 35886069, 39590369). This variant has not been identified in the general population by the Genome Aggregation Database (gnomAD). Loss of BRCA1 function is a known mechanism of disease. Based on the available evidence, this variant is classified as Pathogenic.

Ambry Genetics
Classification: Pathogenic for Hereditary cancer-predisposing syndrome. Last evaluated: 2024-04-02. Review status: criteria provided, single submitter. Criteria: Ambry Variant Classification Scheme 2023. Collection method: clinical testing. Allele origin: germline.
Comment: The c.134+2T>A intronic pathogenic mutation results from a T to A substitution two nucleotides after coding exon 2 in the BRCA1 gene. One functional study found that this nucleotide substitution is non-functional in a high throughput genome editing haploid cell survival assay (Findlay GM et al. Nature, 2018 Oct;562:217-222). This nucleotide position is highly conserved in available vertebrate species. In silico splice site analysis predicts that this alteration will weaken the native splice donor site. RNA studies have demonstrated that this alteration results in abnormal splicing in the set of samples tested (Ambry internal data). This variant is considered to be rare based on population cohorts in the Genome Aggregation Database (gnomAD). Based on the supporting evidence, this alteration is interpreted as a disease-causing mutation.

Labcorp Genetics (formerly Invitae), Labcorp
Classification: Pathogenic for Hereditary breast ovarian cancer syndrome. Last evaluated: 2023-04-12. Review status: criteria provided, single submitter. Criteria: Invitae Variant Classification Sherloc (09022015). Collection method: clinical testing. Allele origin: germline.
Comment: This sequence change affects a donor splice site in intron 3 of the BRCA1 gene. It is expected to disrupt RNA splicing. Variants that disrupt the donor or acceptor splice site typically lead to a loss of protein function (PMID: 16199547), and loss-of-function variants in BRCA1 are known to be pathogenic (PMID: 20104584). This variant is not present in population databases (gnomAD no frequency). For these reasons, this variant has been classified as Pathogenic. Algorithms developed to predict the effect of sequence changes on RNA splicing suggest that this variant may disrupt the consensus splice site. Experimental studies have shown that disruption of this splice site affects BRCA1 function (PMID: 30209399). Algorithms developed to predict the effect of variants on protein structure and function are not available or were not evaluated for this variant. ClinVar contains an entry for this variant (Variation ID: 867519). Disruption of this splice site has been observed in individual(s) with breast and /or ovarian cancer (PMID: 29484706, 30078507).

Brotman Baty Institute, University of Washington
No classification provided (evidence only). Condition: Breast-ovarian cancer, familial 1. Review status: no classification provided. Collection method: in vitro. Allele origin: not applicable. Functional consequence: functionally_abnormal. Not counted in ClinVar's aggregate classification.
ClinVar note: "not provided" was previously submitted as the classification for the variant. However, the classification appeared to be based only on an observation of functional data so it was converted to no classification on 2025-07-30.

Literature cited by the submitters: PubMed 22505045 (cited by Color Diagnostics, LLC DBA Color Health); PubMed 30078507 (cited by Color Diagnostics, LLC DBA Color Health and Labcorp Genetics (formerly Invitae), Labcorp); PubMed 30209399 (cited by 3 submitters); PubMed 31706072 (cited by Color Diagnostics, LLC DBA Color Health); PubMed 32438681 (cited by Color Diagnostics, LLC DBA Color Health); PubMed 35886069 (cited by Color Diagnostics, LLC DBA Color Health); PubMed 39590369 (cited by Color Diagnostics, LLC DBA Color Health); PubMed 24667779 (cited by Ambry Genetics); PubMed 16199547 (cited by Labcorp Genetics (formerly Invitae), Labcorp); PubMed 20104584 (cited by Labcorp Genetics (formerly Invitae), Labcorp); PubMed 29484706 (cited by Labcorp Genetics (formerly Invitae), Labcorp).

NM_007294.4(BRCA1):c.134+2T>A

Gene: BRCA1 (BRCA1 DNA repair associated; minus strand). Cytogenetic location: 17q21.31.
Variant type: single nucleotide variant.
Coding change: c.134+2T>A on transcript NM_007294.4 (MANE Select); the canonical splice donor site of the intron after coding-DNA position 134, T replaced by A.
Molecular consequence: splice donor variant. On other transcripts: intron variant (42).
Genome position (GRCh38, 1-based): chr17:43,115,724, A>T on the plus strand (T>A on the coding strand, the complement: BRCA1 is on the minus strand). VCF-style: chr17-43115724-A-T. GRCh37 (hg19) VCF-style: chr17-41267741-A-T.
Other names: c.-8+2T>A (NM_001407743.1, NM_001407935.1, NM_001407926.1 and 47 more transcripts); c.-55+2T>A (NM_001407899.1, NM_001408507.1, NM_001407896.1 and 52 more transcripts); c.134+2T>A (NM_001408495.1, NM_001408448.1, NM_001408421.1 and 191 more transcripts); c.-8+8293T>A (NM_001407936.1, NM_001407849.1, NM_001407845.1 and 23 more transcripts); c.-124+2T>A (NM_001407727.1, NM_001407930.1, NM_001407843.1 and 13 more transcripts); c.-171+2T>A (NM_001407900.1, NM_001408492.1, NM_001407889.1); c.-8+6T>A (NM_001407841.1); c.-286+2T>A (NM_001407965.1); and 10 more.
Identifiers: ClinVar variation 867519 (VCV000867519.12), dbSNP rs80358131, ClinGen allele CA10601888.